The following is an entry in ClinVar:

ClinVar aggregate classification (germline): Uncertain significance (1 of 4 stars; one submission).

Allele frequency attached by ClinVar (database versions not stated): ExAC 0.00001; gnomAD 0.00001; gnomAD exomes 0.00001 and 0.00002; TOPMed 0.00001.
gnomAD v4.1: 5 of 1,612,264 alleles (0.00031%); highest among the groups gnomAD compares: Admixed American, 0.0067%; no homozygotes.

Submission:

Labcorp Genetics (formerly Invitae), Labcorp
Classification: Uncertain significance. Last evaluated: 2021-09-09. Review status: criteria provided, single submitter. Criteria: Invitae Variant Classification Sherloc (09022015). Collection method: clinical testing. Allele origin: germline.
Comment: In summary, the available evidence is currently insufficient to determine the role of this variant in disease. Therefore, it has been classified as a Variant of Uncertain Significance. Algorithms developed to predict the effect of missense changes on protein structure and function (SIFT, PolyPhen-2, Align-GVGD) all suggest that this variant is likely to be tolerated. This variant has not been reported in the literature in individuals affected with ASPM-related conditions. This variant is present in population databases (rs747336758, ExAC 0.009%). This sequence change replaces glutamine with histidine at codon 2686 of the ASPM protein (p.Gln2686His). The glutamine residue is weakly conserved and there is a small physicochemical difference between glutamine and histidine.

NM_018136.5(ASPM):c.8058A>C (p.Gln2686His)

Gene: ASPM (assembly factor for spindle microtubules; minus strand). Cytogenetic location: 1q31.3.
Variant type: single nucleotide variant.
Coding change: c.8058A>C on transcript NM_018136.5 (MANE Select); coding-DNA position 8058, A replaced by C.
Protein change: p.Gln2686His; replaces glutamine 2686 with histidine.
Molecular consequence: missense variant. On other transcripts: intron variant (1).
Genome position (GRCh38, 1-based): chr1:197,101,193, T>G on the plus strand (A>C on the coding strand, the complement: ASPM is on the minus strand). VCF-style: chr1-197101193-T-G. GRCh37 (hg19) VCF-style: chr1-197070323-T-G.
Other names: c.4066-5029A>C (NM_001206846.2); short protein forms Q2686H.
Identifiers: ClinVar variation 1506866 (VCV001506866.4), dbSNP rs747336758, ClinGen allele CA1309294.